The following is an entry in ClinVar:

NM_001128228.3(TPRN):c.1293G>A (p.Glu431=)

Gene: TPRN (taperin; minus strand). Cytogenetic location: 9q34.3.
Variant type: single nucleotide variant.
Coding change: c.1293G>A on transcript NM_001128228.3 (MANE Select); coding-DNA position 1293, G replaced by A.
Protein change: p.Glu431=; no amino-acid change (glutamic acid 431 retained).
Molecular consequence: synonymous variant.
Genome position (GRCh38, 1-based): chr9:137,199,419, C>T on the plus strand (G>A on the coding strand, the complement: TPRN is on the minus strand). VCF-style: chr9-137199419-C-T. GRCh37 (hg19) VCF-style: chr9-140093871-C-T.
Identifiers: ClinVar variation 3901650 (VCV003901650.1).

ClinVar aggregate classification (germline): Uncertain significance (1 of 4 stars; one submission).

Submission:

GeneDx
Classification: Uncertain significance. Last evaluated: 2024-12-09. Review status: criteria provided, single submitter. Criteria: GeneDx Variant Classification Process June 2021. Collection method: clinical testing. Allele origin: germline. Affected: yes.
Comment: In silico analysis indicates that this variant does not alter splicing; Has not been previously published as pathogenic or benign to our knowledge